The following is an entry in ClinVar:

ClinVar aggregate classification (germline): Pathogenic (1 of 4 stars; one submission).

Submission:

Labcorp Genetics (formerly Invitae), Labcorp
Classification: Pathogenic. Last evaluated: 2025-02-24. Review status: criteria provided, single submitter. Criteria: Invitae Variant Classification Sherloc (09022015). Collection method: clinical testing. Allele origin: germline.
Comment: This sequence change replaces lysine, which is basic and polar, with threonine, which is neutral and polar, at codon 319 of the TWNK protein (p.Lys319Thr). This variant is not present in population databases (gnomAD no frequency). This missense change has been observed in individual(s) with autosomal dominant progressive external ophthalmoplegia (PMID: 12921794). It has also been observed to segregate with disease in related individuals. Invitae Evidence Modeling of protein sequence and biophysical properties (such as structural, functional, and spatial information, amino acid conservation, physicochemical variation, residue mobility, and thermodynamic stability) indicates that this missense variant is expected to disrupt TWNK protein function with a positive predictive value of 95%. Experimental studies are conflicting or provide insufficient evidence to determine the effect of this variant on TWNK function (PMID: 19084593, 20659899). This variant disrupts the p.Lys319 amino acid residue in TWNK. Other variant(s) that disrupt this residue have been observed in individuals with TWNK-related conditions (PMID: 35641312), which suggests that this may be a clinically significant amino acid residue. For these reasons, this variant has been classified as Pathogenic.

Literature cited by the submitters: PubMed 12921794; PubMed 19084593; PubMed 20659899; PubMed 35641312.

NM_021830.5(TWNK):c.956A>C (p.Lys319Thr)

Gene: TWNK (twinkle mtDNA helicase; plus strand). Cytogenetic location: 10q24.31.
Variant type: single nucleotide variant.
Coding change: c.956A>C on transcript NM_021830.5 (MANE Select); coding-DNA position 956, A replaced by C.
Protein change: p.Lys319Thr; replaces lysine 319 with threonine.
Molecular consequence: missense variant. On other transcripts: non-coding transcript variant (4), intron variant (3).
Genome position (GRCh38, 1-based): chr10:100,989,166, A>C. VCF-style: chr10-100989166-A-C. GRCh37 (hg19) VCF-style: chr10-102748923-A-C.
Other names: c.956A>C, p.Lys319Thr (NM_001163812.2); c.-119-478A>C (NM_001163814.2, NM_001163813.2); c.-57-540A>C (NM_001368275.1); short protein forms K319T.
Identifiers: ClinVar variation 4709763 (VCV004709763.1).